The following is an entry in ClinVar:

ClinVar aggregate classification (germline): Conflicting classifications of pathogenicity. Review status: criteria provided, conflicting classifications (1 of 4 stars). 2 submissions from 2 submitters: Uncertain significance (1); Likely benign (1). Last evaluated 2023-03-23.

Conditions:
Hereditary cancer-predisposing syndrome. Also called: Neoplastic Syndromes, Hereditary; Tumor predisposition; Hereditary Cancer Syndrome; Hereditary neoplastic syndrome. Identifiers: Orphanet 140162, MedGen C0027672, MeSH D009386, MONDO:0015356.

Submissions (2):

University of Washington Department of Laboratory Medicine, University of Washington
Classification: Likely benign for Hereditary cancer-predisposing syndrome. Last evaluated: 2023-03-23. Review status: criteria provided, single submitter. Criteria: Dines et al. (Genet Med. 2020). Collection method: curation. Allele origin: germline.
Comment: Missense variant in a coldspot region where missense variants are very unlikely to be pathogenic (PMID:31911673).

BRCA2 exon 11 coldspot. Reclassification based on statistical prior probability.

Ambry Genetics
Classification: Uncertain significance for Hereditary cancer-predisposing syndrome. Last evaluated: 2021-09-28. Review status: criteria provided, single submitter. Criteria: Ambry Variant Classification Scheme 2023. Collection method: clinical testing. Allele origin: germline.
Comment: The p.K1202E variant (also known as c.3604A>G), located in coding exon 10 of the BRCA2 gene, results from an A to G substitution at nucleotide position 3604. The lysine at codon 1202 is replaced by glutamic acid, an amino acid with similar properties. This alteration was not observed in 7,051 unselected female breast cancer patients and was observed with an allele frequency of 0.00009 in 11,241 female controls of Japanese ancestry (Momozawa Y et al. Nat Commun, 2018 10;9:4083). This amino acid position is not well conserved in available vertebrate species. In addition, this alteration is predicted to be tolerated by in silico analysis. Since supporting evidence is limited at this time, the clinical significance of this alteration remains unclear.

Literature cited by the submitters: PubMed 30287823 (cited by Ambry Genetics).

NM_000059.4(BRCA2):c.3604A>G (p.Lys1202Glu)

Gene: BRCA2 (BRCA2 DNA repair associated; plus strand). Cytogenetic location: 13q13.1.
Variant type: single nucleotide variant.
Coding change: c.3604A>G on transcript NM_000059.4 (MANE Select); coding-DNA position 3604, A replaced by G.
Protein change: p.Lys1202Glu; replaces lysine 1202 with glutamic acid.
Molecular consequence: missense variant.
Genome position (GRCh38, 1-based): chr13:32,337,959, A>G. VCF-style: chr13-32337959-A-G. GRCh37 (hg19) VCF-style: chr13-32912096-A-G.
Other names: c.3604A>G, p.Lys1202Glu (NM_001406719.1, NM_001406720.1); short protein forms K1202E.
Identifiers: ClinVar variation 1733137 (VCV001733137.4), dbSNP rs2137498258, ClinGen allele CA387777517.